The following is an entry in ClinVar:

ClinVar aggregate classification (germline): Conflicting classifications of pathogenicity. Review status: criteria provided, conflicting classifications (1 of 4 stars). 2 submissions from 2 submitters: Uncertain significance (1); Likely benign (1). Last evaluated 2025-06-24.

Conditions:
Cardiovascular phenotype. Identifiers: MedGen CN230736.
Long QT syndrome (LQTS). Identifiers: MedGen C0023976, MeSH D008133, MONDO:0002442. Disease mechanism: loss of function. Inheritance: Various modes of inheritance.

gnomAD v4.1: 1 of 1,614,068 alleles (0.000062%); no homozygotes.

Submissions (2):

Ambry Genetics
Classification: Likely benign for Cardiovascular phenotype. Last evaluated: 2025-06-24. Review status: criteria provided, single submitter. Criteria: Ambry Variant Classification Scheme 2023. Collection method: clinical testing. Allele origin: germline.

Labcorp Genetics (formerly Invitae), Labcorp
Classification: Uncertain significance for Long QT syndrome. Last evaluated: 2025-06-09. Review status: criteria provided, single submitter. Criteria: Invitae Variant Classification Sherloc (09022015). Collection method: clinical testing. Allele origin: germline.
Comment: This sequence change replaces glycine, which is neutral and non-polar, with serine, which is neutral and polar, at codon 2990 of the ANK2 protein (p.Gly2990Ser). This variant is not present in population databases (gnomAD no frequency). This variant has not been reported in the literature in individuals affected with ANK2-related conditions. An algorithm developed to predict the effect of missense changes on protein structure and function outputs the following: PolyPhen-2: "Benign". The serine amino acid residue is found in multiple mammalian species, which suggests that this missense change does not adversely affect protein function. In summary, the available evidence is currently insufficient to determine the role of this variant in disease. Therefore, it has been classified as a Variant of Uncertain Significance.

NM_001148.6(ANK2):c.8968G>A (p.Gly2990Ser)

Gene: ANK2 (ankyrin 2; plus strand). Cytogenetic location: 4q26.
Variant type: single nucleotide variant.
Coding change: c.8968G>A on transcript NM_001148.6 (MANE Select); coding-DNA position 8968, G replaced by A.
Protein change: p.Gly2990Ser; replaces glycine 2990 with serine.
Molecular consequence: missense variant. On other transcripts: intron variant (68).
Genome position (GRCh38, 1-based): chr4:113,357,586, G>A. VCF-style: chr4-113357586-G-A. GRCh37 (hg19) VCF-style: chr4-114278742-G-A.
Other names: c.8734G>A, p.Gly2912Ser (NM_001386142.1); c.5368G>A, p.Gly1790Ser (NM_001386166.1); c.9109G>A, p.Gly3037Ser (NM_001386174.1); c.9085G>A, p.Gly3029Ser (NM_001386175.1); c.4412-3237G>A (NM_001386186.2, NM_001386148.2); c.4214-3237G>A (NM_001354269.3); c.4292-3237G>A (NM_001386187.2); c.4253-3237G>A (NM_001386147.1); and 35 more; short protein forms G2912S, G2990S, G3029S, G1790S, G3037S.
Identifiers: ClinVar variation 4051402 (VCV004051402.3).